The following is an entry in ClinVar:

NM_001371986.1(UNC80):c.9913T>C (p.Phe3305Leu)

Gene: UNC80 (unc-80 subunit of NALCN channel complex; plus strand). Cytogenetic location: 2q34.
Variant type: single nucleotide variant.
Coding change: c.9913T>C on transcript NM_001371986.1 (MANE Select); coding-DNA position 9913, T replaced by C.
Protein change: p.Phe3305Leu; replaces phenylalanine 3305 with leucine.
Molecular consequence: missense variant.
Genome position (GRCh38, 1-based): chr2:209,995,533, T>C. VCF-style: chr2-209995533-T-C. GRCh37 (hg19) VCF-style: chr2-210860257-T-C.
Other names: c.9715T>C, p.Phe3239Leu (NM_032504.2); c.9643T>C, p.Phe3215Leu (NM_182587.4); c.9715T>C (NM_032504.1); short protein forms F3305L, F3215L, F3239L.
Identifiers: ClinVar variation 1522586 (VCV001522586.6), dbSNP rs1425490698, ClinGen allele CA350416578.

ClinVar aggregate classification (germline): Conflicting classifications of pathogenicity. Review status: criteria provided, conflicting classifications (1 of 4 stars). 2 submissions from 2 submitters: Uncertain significance (1); Likely benign (1). Last evaluated 2026-02-02.

Conditions:
Inborn genetic diseases. Identifiers: MedGen C0950123, MeSH D030342.

Allele frequency attached by ClinVar (database versions not stated): gnomAD 0.00001; gnomAD exomes 0.00001; TOPMed 0.00002.
gnomAD v4.1: 22 of 1,551,916 alleles (0.0014%); highest among the groups gnomAD compares: Non-Finnish European, 0.0014%; no homozygotes.

Submissions (2):

Labcorp Genetics (formerly Invitae), Labcorp
Classification: Uncertain significance. Last evaluated: 2026-02-02. Review status: criteria provided, single submitter. Criteria: Invitae Variant Classification Sherloc (09022015). Collection method: clinical testing. Allele origin: germline.
Comment: This sequence change replaces phenylalanine, which is neutral and non-polar, with leucine, which is neutral and non-polar, at codon 3239 of the UNC80 protein (p.Phe3239Leu). This variant is present in population databases (no rsID available, gnomAD 0.002%). This variant has not been reported in the literature in individuals affected with UNC80-related conditions. ClinVar contains an entry for this variant (Variation ID: 1522586). Invitae Evidence Modeling of protein sequence and biophysical properties (such as structural, functional, and spatial information, amino acid conservation, physicochemical variation, residue mobility, and thermodynamic stability) indicates that this missense variant is not expected to disrupt UNC80 protein function with a negative predictive value of 80%. In summary, the available evidence is currently insufficient to determine the role of this variant in disease. Therefore, it has been classified as a Variant of Uncertain Significance.

Ambry Genetics
Classification: Likely benign for Inborn genetic diseases. Last evaluated: 2025-04-25. Review status: criteria provided, single submitter. Criteria: Ambry Variant Classification Scheme 2023. Collection method: clinical testing. Allele origin: germline.